The following is an entry in ClinVar:

ClinVar aggregate classification (germline): Conflicting classifications of pathogenicity. Review status: criteria provided, conflicting classifications (1 of 4 stars). 7 submissions from 7 submitters: Uncertain significance (1); Benign (1); Likely benign (5). Last evaluated 2026-01-21.

Conditions:
CFI-related disorder. Also called: CFI-related disorders; CFI-related condition. Identifiers: MedGen CN239325.
Atypical hemolytic-uremic syndrome with I factor anomaly. Also called: HEMOLYTIC UREMIC SYNDROME, ATYPICAL, SUSCEPTIBILITY TO, 3; AHUS, SUSCEPTIBILITY TO, 3. Identifiers: Orphanet 2134, MedGen C2752039, MONDO:0013041, OMIM 612923.

Allele frequency attached by ClinVar (database versions not stated): gnomAD exomes 0.00016 and 0.00039; ExAC 0.00048; 1000 Genomes Project 30x 0.00109; 1000 Genomes Project 0.00120; gnomAD 0.00152 and 0.00164; ESP Exome Variant Server 0.00154; TOPMed 0.00164.
gnomAD v4.1: 492 of 1,613,198 alleles (0.03%); highest among the groups gnomAD compares: African/African-American, 0.53%; 1 homozygote.

Submissions (7):

Labcorp Genetics (formerly Invitae), Labcorp
Classification: Likely benign. Last evaluated: 2026-01-21. Review status: criteria provided, single submitter. Criteria: Invitae Variant Classification Sherloc (09022015). Collection method: clinical testing. Allele origin: germline.

Genomenon, Inc
Classification: Benign for CFI-related disorder. Last evaluated: 2025-09-26. Review status: criteria provided, single submitter. Criteria: Genomenon Sequence Variant Interpretation Standards - Updated. Collection method: curation. Allele origin: germline. Affected: no.
Comment: CFI p.Ile306Val (c.916A>G) is a missense variant that changes the amino acid at residue 306 from Isoleucine to Valine. This variant is present at high allele frequency in population databases. In conclusion, we classify CFI p.Ile306Val (c.916A>G) as a benign variant.

Mayo Clinic Laboratories, Mayo Clinic
Classification: Likely benign. Last evaluated: 2025-08-11. Review status: criteria provided, single submitter. Criteria: ACMG Guidelines, 2015. Collection method: clinical testing. Allele origin: germline. Observed: 9 variant alleles.
Comment: BS1, BS3_supporting, BP4_strong

Blueprint Genetics
Classification: Uncertain significance. Last evaluated: 2024-11-26. Review status: criteria provided, single submitter. Criteria: ACMG Guidelines, 2015. Collection method: clinical testing. Allele origin: germline.

Women's Health and Genetics/Laboratory Corporation of America, LabCorp
Classification: Likely benign. Last evaluated: 2023-11-16. Review status: criteria provided, single submitter. Criteria: LabCorp Variant Classification Summary - May 2015. Collection method: clinical testing. Allele origin: germline.
Comment: Variant summary: CFI c.916A>G (p.Ile306Val) results in a conservative amino acid change in the encoded protein sequence. Five of five in-silico tools predict a benign effect of the variant on protein function. The variant allele was found at a frequency of 0.00039 in 251238 control chromosomes, predominantly at a frequency of 0.0051 within the African or African-American subpopulation in the gnomAD database. The observed variant frequency within African or African-American control individuals in the gnomAD database is approximately 4.6 fold of the estimated maximal expected allele frequency for a pathogenic variant in CFI causing Complement Factor I Deficiency phenotype (0.0011), strongly suggesting that the variant is a benign polymorphism found primarily in populations of African or African-American origin. Although seen in literature as a high frequency alteration, to our knowledge, no penetrant association of c.916A>G in individuals affected with Complement Factor I Deficiency has been reported. Three submitters have cited clinical-significance assessments for this variant to ClinVar after 2014. All submitters classified the variant as likely benign. Based on the evidence outlined above, the variant was classified as likely benign.

Institute for Genomic Medicine (IGM) Clinical Laboratory, Nationwide Children's Hospital
Classification: Likely benign. Last evaluated: 2017-05-31. Review status: criteria provided, single submitter. Criteria: ACMG Guidelines, 2015. Collection method: clinical testing. Allele origin: germline.
Comment: BP4, BP6; This alteration is predicted to be tolerated by multiple functional prediction tools, and was reported as a benign/likely benign alteration by a reputable source (ClinVar or other correspondence from a clinical testing laboratory).

Illumina Laboratory Services, Illumina
Classification: Likely benign for Atypical hemolytic-uremic syndrome with I factor anomaly. Last evaluated: 2017-04-27. Review status: criteria provided, single submitter. Criteria: ICSL Variant Classification Criteria 13 December 2019. Collection method: clinical testing. Allele origin: germline.
Comment: This variant was observed as part of a predisposition screen in an ostensibly healthy population. A literature search was performed for the gene, cDNA change, and amino acid change (where applicable). Publications were found based on this search. The evidence from the literature, in combination with allele frequency data from public databases where available, was sufficient to determine this variant is unlikely to cause disease. Therefore, this variant is classified as likely benign.

Literature cited by the submitters: PubMed 18557729 (cited by Mayo Clinic Laboratories, Mayo Clinic and Illumina Laboratory Services, Illumina); PubMed 28752844 (cited by Mayo Clinic Laboratories, Mayo Clinic); PubMed 29888403 (cited by Mayo Clinic Laboratories, Mayo Clinic); PubMed 31312772 (cited by Mayo Clinic Laboratories, Mayo Clinic); PubMed 32510551 (cited by Mayo Clinic Laboratories, Mayo Clinic).

NM_000204.5(CFI):c.916A>G (p.Ile306Val)

Gene: CFI (complement factor I; minus strand). Cytogenetic location: 4q25.
Variant type: single nucleotide variant.
Coding change: c.916A>G on transcript NM_000204.5 (MANE Select); coding-DNA position 916, A replaced by G.
Protein change: p.Ile306Val; replaces isoleucine 306 with valine.
Molecular consequence: missense variant. On other transcripts: non-coding transcript variant (3), intron variant (1).
Genome position (GRCh38, 1-based): chr4:109,752,492, T>C on the plus strand (A>G on the coding strand, the complement: CFI is on the minus strand). VCF-style: chr4-109752492-T-C. GRCh37 (hg19) VCF-style: chr4-110673648-T-C.
Other names: p.Ile306Val; c.940A>G, p.Ile314Val (NM_001318057.2, NM_001375278.1); c.895A>G, p.Ile299Val (NM_001331035.2, NM_001375280.1, NM_001375282.1); c.916A>G, p.Ile306Val (NM_001375279.1, NM_001375281.1); c.307A>G, p.Ile103Val (NM_001375284.1); c.884-2890A>G (NM_001375283.1); c.916A>G (NM_000204.4); short protein forms I306V, I314V, I299V, I103V.
Identifiers: ClinVar variation 347163 (VCV000347163.20), dbSNP rs113273712, ClinGen allele CA3042087.
Genomic context (GRCh38, chr4:109,752,492, plus strand): 5'-GTGAGCCACCAATAAAAAAGTATAACGTTAGCTTACCTGCATCCATGTCAGCAGTCAAAA[T>C]TTCTGTTTCTTCTATGATAAAACAAAAGATTCCAATGTTTAAAGTTGTTAATTATAGTCA-3'
Protein context (NP_000195.3, residues 296-316): FASVTQEETE[Ile306Val]LTADMDAERR